The following is an entry in ClinVar:

NM_001009944.3(PKD1):c.10618G>A (p.Gly3540Arg)

Genes: PKD1-AS1 (PKD1 antisense RNA 1; plus strand), PKD1 (polycystin 1, transient receptor potential channel interacting; minus strand). Cytogenetic location: 16p13.3.
Variant type: single nucleotide variant.
Coding change: c.10618G>A on transcript NM_001009944.3 (MANE Select); coding-DNA position 10618, G replaced by A.
Protein change: p.Gly3540Arg; replaces glycine 3540 with arginine.
Molecular consequence: missense variant.
Genome position (GRCh38, 1-based): chr16:2,094,092, C>T on the plus strand (G>A on the coding strand, the complement: PKD1 is on the minus strand). VCF-style: chr16-2094092-C-T. GRCh37 (hg19) VCF-style: chr16-2144093-C-T.
Other names: c.10615G>A, p.Gly3539Arg (NM_000296.4); short protein forms G3539R, G3540R.
Identifiers: ClinVar variation 5010160 (VCV005010160.1).

ClinVar aggregate classification (germline): Uncertain significance (1 of 4 stars; one submission).

Conditions:
Polycystic kidney disease, adult type (PKD1). Also called: Polycystic Kidney, Autosomal Dominant; POLYCYSTIC KIDNEY DISEASE, ADULT, TYPE I; Polycystic Kidney Disease 1, Autosomal Dominant; Polycystic kidney disease 1; Polycystic kidney disease 1, severe; POLYCYSTIC KIDNEY DISEASE 1 WITH OR WITHOUT POLYCYSTIC LIVER DISEASE. Identifiers: MedGen C3149841, MONDO:0008263, OMIM 173900.

Submission:

MVZ Medizinische Genetik Mainz
Classification: Uncertain significance for Polycystic kidney disease, adult type. Last evaluated: 2026-08-26. Review status: criteria provided, single submitter. Criteria: UK Practice Guidelines For Variant Classification V4 01 2020. Collection method: clinical testing. Allele origin: germline. Inheritance: Autosomal dominant inheritance. Affected: yes. Observed: 1 variant allele.
Comment: ACMG Criteria: PS1_MOD,PM2_SUP,PP3,PP4